The following is an entry in ClinVar:

ClinVar aggregate classification (germline): Uncertain significance (1 of 4 stars; one submission).

Submission:

Labcorp Genetics (formerly Invitae), Labcorp
Classification: Uncertain significance. Last evaluated: 2022-11-08. Review status: criteria provided, single submitter. Criteria: Invitae Variant Classification Sherloc (09022015). Collection method: clinical testing. Allele origin: germline.
Comment: In summary, the available evidence is currently insufficient to determine the role of this variant in disease. Therefore, it has been classified as a Variant of Uncertain Significance. Algorithms developed to predict the effect of missense changes on protein structure and function are either unavailable or do not agree on the potential impact of this missense change (SIFT: "Tolerated"; PolyPhen-2: "Probably Damaging"; Align-GVGD: "Class C0"). ClinVar contains an entry for this variant (Variation ID: 1367421). This variant has not been reported in the literature in individuals affected with ACO2-related conditions. This variant is not present in population databases (gnomAD no frequency). This sequence change replaces lysine, which is basic and polar, with arginine, which is basic and polar, at codon 144 of the ACO2 protein (p.Lys144Arg).

NM_001098.3(ACO2):c.431A>G (p.Lys144Arg)

Gene: ACO2 (aconitase 2; plus strand). Cytogenetic location: 22q13.2.
Variant type: single nucleotide variant.
Coding change: c.431A>G on transcript NM_001098.3 (MANE Select); coding-DNA position 431, A replaced by G.
Protein change: p.Lys144Arg; replaces lysine 144 with arginine.
Molecular consequence: missense variant.
Genome position (GRCh38, 1-based): chr22:41,508,048, A>G. VCF-style: chr22-41508048-A-G. GRCh37 (hg19) VCF-style: chr22-41904052-A-G.
Other names: short protein forms K144R.
Identifiers: ClinVar variation 1367421 (VCV001367421.8), dbSNP rs2146115942, ClinGen allele CA411714139.
Genomic context (GRCh38, chr22:41,508,048, plus strand): 5'-TCCACTGTGACCATCTGATTGAAGCCCAGGTTGGGGGCGAGAAAGACCTGCGCCGGGCCA[A>G]GGTGAGCAGAAGGTGGCTTTGGGGGTGGGCAAGTGGGCAAGACTGGGCGAGAGGCCTCAC-3'
Protein context (NP_001089.1, residues 134-154): VGGEKDLRRA[Lys144Arg]DINQEVYNFL